The following is an entry in ClinVar:

ClinVar aggregate classification (germline): Pathogenic (1 of 4 stars; one submission).

Submission:

Labcorp Genetics (formerly Invitae), Labcorp
Classification: Pathogenic. Last evaluated: 2023-05-28. Review status: criteria provided, single submitter. Criteria: Invitae Variant Classification Sherloc (09022015). Collection method: clinical testing. Allele origin: germline.
Comment: For these reasons, this variant has been classified as Pathogenic. This variant has not been reported in the literature in individuals affected with USH2A-related conditions. This variant is not present in population databases (gnomAD no frequency). This sequence change creates a premature translational stop signal (p.Ser3564*) in the USH2A gene. It is expected to result in an absent or disrupted protein product. Loss-of-function variants in USH2A are known to be pathogenic (PMID: 10729113, 10909849, 20507924, 25649381).

Literature cited by the submitters: PubMed 10729113; PubMed 10909849; PubMed 20507924; PubMed 25649381.

NM_206933.4(USH2A):c.10691C>G (p.Ser3564Ter)

Gene: USH2A (usherin; minus strand). Cytogenetic location: 1q41.
Variant type: single nucleotide variant.
Coding change: c.10691C>G on transcript NM_206933.4 (MANE Select); coding-DNA position 10691, C replaced by G.
Protein change: p.Ser3564Ter; replaces serine 3564 with a stop codon.
Molecular consequence: nonsense.
Genome position (GRCh38, 1-based): chr1:215,782,091, G>C on the plus strand (C>G on the coding strand, the complement: USH2A is on the minus strand). VCF-style: chr1-215782091-G-C. GRCh37 (hg19) VCF-style: chr1-215955433-G-C.
Other names: short protein forms S3564*.
Identifiers: ClinVar variation 2744625 (VCV002744625.3), dbSNP rs2464391538, ClinGen allele CA344836380.